The following is an entry in ClinVar:

NM_005591.4(MRE11):c.1847G>T (p.Arg616Ile)

Gene: MRE11 (MRE11 double strand break repair nuclease; minus strand). Cytogenetic location: 11q21.
Variant type: single nucleotide variant.
Coding change: c.1847G>T on transcript NM_005591.4 (MANE Select); coding-DNA position 1847, G replaced by T.
Protein change: p.Arg616Ile; replaces arginine 616 with isoleucine.
Molecular consequence: missense variant. On other transcripts: intron variant (1).
Genome position (GRCh38, 1-based): chr11:94,445,830, C>A on the plus strand (G>T on the coding strand, the complement: MRE11 is on the minus strand). VCF-style: chr11-94445830-C-A. GRCh37 (hg19) VCF-style: chr11-94178996-C-A.
Other names: c.1844G>T, p.Arg615Ile (NM_001330347.2); c.1783+1389G>T (NM_005590.4); short protein forms R615I, R616I.
Identifiers: ClinVar variation 820192 (VCV000820192.7), dbSNP rs1591652874, ClinGen allele CA382366405.

ClinVar aggregate classification (germline): Uncertain significance. Review status: criteria provided, multiple submitters, no conflicts (2 of 4 stars). 2 submissions from 2 submitters: Uncertain significance (2). Last evaluated 2023-12-31.

Conditions:
Hereditary cancer-predisposing syndrome. Also called: Neoplastic Syndromes, Hereditary; Tumor predisposition; Hereditary Cancer Syndrome; Hereditary neoplastic syndrome. Identifiers: Orphanet 140162, MedGen C0027672, MeSH D009386, MONDO:0015356.
Ataxia-telangiectasia-like disorder (ATLD). Identifiers: MedGen C1858391, MONDO:0011457.

Submissions (2):

Labcorp Genetics (formerly Invitae), Labcorp
Classification: Uncertain significance for Ataxia-telangiectasia-like disorder. Last evaluated: 2023-12-31. Review status: criteria provided, single submitter. Criteria: Invitae Variant Classification Sherloc (09022015). Collection method: clinical testing. Allele origin: germline.
Comment: This sequence change replaces arginine, which is basic and polar, with isoleucine, which is neutral and non-polar, at codon 616 of the MRE11 protein (p.Arg616Ile). This variant is not present in population databases (gnomAD no frequency). This variant has not been reported in the literature in individuals affected with MRE11-related conditions. ClinVar contains an entry for this variant (Variation ID: 820192). An algorithm developed to predict the effect of missense changes on protein structure and function (PolyPhen-2) suggests that this variant is likely to be tolerated. In summary, the available evidence is currently insufficient to determine the role of this variant in disease. Therefore, it has been classified as a Variant of Uncertain Significance.

Ambry Genetics
Classification: Uncertain significance for Hereditary cancer-predisposing syndrome. Last evaluated: 2019-08-27. Review status: criteria provided, single submitter. Criteria: Ambry Variant Classification Scheme 2023. Collection method: clinical testing. Allele origin: germline.
Comment: The p.R616I variant (also known as c.1847G>T), located in coding exon 15 of the MRE11A gene, results from a G to T substitution at nucleotide position 1847. The arginine at codon 616 is replaced by isoleucine, an amino acid with similar properties. This amino acid position is well conserved in available vertebrate species. In addition, the in silico prediction for this alteration is inconclusive. Since supporting evidence is limited at this time, the clinical significance of this alteration remains unclear.